The following is an entry in ClinVar:

NM_020778.5(ALPK3):c.4391A>G (p.Asn1464Ser)

Gene: ALPK3 (alpha kinase 3; plus strand). Cytogenetic location: 15q25.3.
Variant type: single nucleotide variant.
Coding change: c.4391A>G on transcript NM_020778.5 (MANE Select); coding-DNA position 4391, A replaced by G.
Protein change: p.Asn1464Ser; replaces asparagine 1464 with serine.
Molecular consequence: missense variant.
Genome position (GRCh38, 1-based): chr15:84,862,896, A>G. VCF-style: chr15-84862896-A-G. GRCh37 (hg19) VCF-style: chr15-85406127-A-G.
Other names: short protein forms N1464S.
Identifiers: ClinVar variation 3622771 (VCV003622771.2).

ClinVar aggregate classification (germline): Uncertain significance (1 of 4 stars; one submission).

Submission:

Labcorp Genetics (formerly Invitae), Labcorp
Classification: Uncertain significance. Last evaluated: 2025-07-18. Review status: criteria provided, single submitter. Criteria: Invitae Variant Classification Sherloc (09022015). Collection method: clinical testing. Allele origin: germline.
Comment: This sequence change replaces asparagine, which is neutral and polar, with serine, which is neutral and polar, at codon 1666 of the ALPK3 protein (p.Asn1666Ser). This variant is present in population databases (no rsID available, gnomAD 0.003%). This variant has not been reported in the literature in individuals affected with ALPK3-related conditions. ClinVar contains an entry for this variant (Variation ID: 3622771). Invitae Evidence Modeling of protein sequence and biophysical properties (such as structural, functional, and spatial information, amino acid conservation, physicochemical variation, residue mobility, and thermodynamic stability) indicates that this missense variant is expected to disrupt ALPK3 protein function with a positive predictive value of 80%. In summary, the available evidence is currently insufficient to determine the role of this variant in disease. Therefore, it has been classified as a Variant of Uncertain Significance.